The following is an entry in ClinVar:

NM_001164508.2(NEB):c.5515G>A (p.Asp1839Asn)

Gene: NEB (nebulin; minus strand). Cytogenetic location: 2q23.3.
Variant type: single nucleotide variant.
Coding change: c.5515G>A on transcript NM_001164508.2 (MANE Select); coding-DNA position 5515, G replaced by A.
Protein change: p.Asp1839Asn; replaces aspartic acid 1839 with asparagine.
Molecular consequence: missense variant.
Genome position (GRCh38, 1-based): chr2:151,663,796, C>T on the plus strand (G>A on the coding strand, the complement: NEB is on the minus strand). VCF-style: chr2-151663796-C-T. GRCh37 (hg19) VCF-style: chr2-152520310-C-T.
Other names: c.5515G>A, p.Asp1839Asn (NM_001164507.2, NM_001271208.2, NM_004543.5); c.5515G>A (NM_004543.4); short protein forms D1839N.
Identifiers: ClinVar variation 970851 (VCV000970851.8), dbSNP rs2099172820, ClinGen allele CA348808833.

ClinVar aggregate classification (germline): Uncertain significance. Review status: criteria provided, multiple submitters, no conflicts (2 of 4 stars). 2 submissions from 2 submitters: Uncertain significance (2). Last evaluated 2022-02-10.

Conditions:
Inborn genetic diseases. Identifiers: MedGen C0950123, MeSH D030342.
Nemaline myopathy 2 (NEM2). Also called: Nemaline myopathy 2, autosomal recessive. Identifiers: MedGen C1850569, MONDO:0009725, OMIM 256030.

Allele frequency attached by ClinVar (database versions not stated): gnomAD exomes below 0.00001.
gnomAD v4.1: 1 of 1,613,830 alleles (0.000062%); highest among the groups gnomAD compares: Non-Finnish European, 0.000085%; no homozygotes.

Submissions (2):

Ambry Genetics
Classification: Uncertain significance for Inborn genetic diseases. Last evaluated: 2022-02-10. Review status: criteria provided, single submitter. Criteria: Ambry Variant Classification Scheme 2023. Collection method: clinical testing. Allele origin: germline.

Labcorp Genetics (formerly Invitae), Labcorp
Classification: Uncertain significance for Nemaline myopathy 2. Last evaluated: 2021-09-02. Review status: criteria provided, single submitter. Criteria: Invitae Variant Classification Sherloc (09022015). Collection method: clinical testing. Allele origin: germline.
Comment: This sequence change replaces aspartic acid with asparagine at codon 1839 of the NEB protein (p.Asp1839Asn). The aspartic acid residue is moderately conserved and there is a small physicochemical difference between aspartic acid and asparagine. This variant is not present in population databases (ExAC no frequency). This variant has not been reported in the literature in individuals affected with NEB-related conditions. Algorithms developed to predict the effect of missense changes on protein structure and function are either unavailable or do not agree on the potential impact of this missense change (SIFT: "Deleterious"; PolyPhen-2: "Not Available"; Align-GVGD: "Class C0"). In summary, the available evidence is currently insufficient to determine the role of this variant in disease. Therefore, it has been classified as a Variant of Uncertain Significance.